The following is an entry in ClinVar:

ClinVar aggregate classification (germline): Conflicting classifications of pathogenicity. Review status: criteria provided, conflicting classifications (1 of 4 stars). 2 submissions from 2 submitters: Uncertain significance (1); Likely benign (1). Last evaluated 2023-03-23.

Conditions:
Hereditary breast ovarian cancer syndrome. Also called: Breast and ovarian cancer; Hereditary breast and ovarian cancer; Hereditary breast and/or ovarian cancer syndrome; BRCA1- and BRCA2-Associated Hereditary Breast and Ovarian Cancer; Hereditary breast and ovarian cancer syndrome; Hereditary breast and ovarian cancer syndrome (HBOC). Identifiers: Orphanet 145, MedGen C0677776, MeSH D061325, MONDO:0003582. Disease mechanism: loss of function.
Hereditary cancer-predisposing syndrome. Also called: Tumor predisposition; Hereditary neoplastic syndrome; Neoplastic Syndromes, Hereditary; Hereditary Cancer Syndrome. Identifiers: Orphanet 140162, MedGen C0027672, MeSH D009386, MONDO:0015356.

Submissions (2):

University of Washington Department of Laboratory Medicine, University of Washington
Classification: Likely benign for Hereditary cancer-predisposing syndrome. Last evaluated: 2023-03-23. Review status: criteria provided, single submitter. Criteria: Dines et al. (Genet Med. 2020). Collection method: curation. Allele origin: germline.
Comment: Missense variant in a coldspot region where missense variants are very unlikely to be pathogenic (PMID:31911673).

BRCA2 exon 11 coldspot. Reclassification based on statistical prior probability.

Labcorp Genetics (formerly Invitae), Labcorp
Classification: Uncertain significance for Hereditary breast ovarian cancer syndrome. Last evaluated: 2019-05-08. Review status: criteria provided, single submitter. Criteria: Invitae Variant Classification Sherloc (09022015). Collection method: clinical testing. Allele origin: germline.
Comment: In summary, this variant is a novel missense change that is not predicted to affect protein function. There is no indication that it causes disease, but the available evidence is currently insufficient to prove that conclusively. Therefore, it has been classified as a Variant of Uncertain Significance. Algorithms developed to predict the effect of missense changes on protein structure and function (SIFT, PolyPhen-2, Align-GVGD) all suggest that this variant is likely to be tolerated, but these predictions have not been confirmed by published functional studies. This variant is not present in population databases (ExAC no frequency) and has not been reported in the literature in individuals with a BRCA2-related disease. This sequence change replaces glutamic acid with glycine at codon 1901 of the BRCA2 protein (p.Glu1901Gly). The glutamic acid residue is weakly conserved and there is a moderate physicochemical difference between glutamic acid and glycine.

NM_000059.4(BRCA2):c.5702A>G (p.Glu1901Gly)

Gene: BRCA2 (BRCA2 DNA repair associated; plus strand). Cytogenetic location: 13q13.1.
Variant type: single nucleotide variant.
Coding change: c.5702A>G on transcript NM_000059.4 (MANE Select); coding-DNA position 5702, A replaced by G.
Protein change: p.Glu1901Gly; replaces glutamic acid 1901 with glycine.
Molecular consequence: missense variant.
Genome position (GRCh38, 1-based): chr13:32,340,057, A>G. VCF-style: chr13-32340057-A-G. GRCh37 (hg19) VCF-style: chr13-32914194-A-G.
Other names: short protein forms E1901G.
Identifiers: ClinVar variation 845089 (VCV000845089.11), dbSNP rs773600818, ClinGen allele CA387786732.